The following is an entry in ClinVar:

ClinVar aggregate classification (germline): Uncertain significance (1 of 4 stars; one submission).

Submission:

GeneDx
Classification: Uncertain significance. Last evaluated: 2026-03-30. Review status: criteria provided, single submitter. Criteria: GeneDx Variant Classification Process June 2021. Collection method: clinical testing. Allele origin: germline.
Comment: Not observed at significant frequency in large population cohorts (gnomAD); In silico analysis suggests that this missense variant does not alter protein structure/function; Has not been previously published as pathogenic or benign to our knowledge

NM_001371928.1(AHDC1):c.20G>A (p.Gly7Asp)

Gene: AHDC1 (AT-hook DNA binding motif containing 1; minus strand). Cytogenetic location: 1p36.11.
Variant type: single nucleotide variant.
Coding change: c.20G>A on transcript NM_001371928.1 (MANE Select); coding-DNA position 20, G replaced by A.
Protein change: p.Gly7Asp; replaces glycine 7 with aspartic acid.
Molecular consequence: missense variant.
Genome position (GRCh38, 1-based): chr1:27,552,096, C>T on the plus strand (G>A on the coding strand, the complement: AHDC1 is on the minus strand). VCF-style: chr1-27552096-C-T. GRCh37 (hg19) VCF-style: chr1-27878607-C-T.
Other names: c.20G>A, p.Gly7Asp (NM_001029882.3); short protein forms G7D.
Identifiers: ClinVar variation 5017905 (VCV005017905.1).